The following is an entry in ClinVar:

NM_006828.4(ASCC3):c.3854T>C (p.Ile1285Thr)

Gene: ASCC3 (activating signal cointegrator 1 complex subunit 3; minus strand). Cytogenetic location: 6q16.3.
Variant type: single nucleotide variant.
Coding change: c.3854T>C on transcript NM_006828.4 (MANE Select); coding-DNA position 3854, T replaced by C.
Protein change: p.Ile1285Thr; replaces isoleucine 1285 with threonine.
Molecular consequence: missense variant.
Genome position (GRCh38, 1-based): chr6:100,642,628, A>G on the plus strand (T>C on the coding strand, the complement: ASCC3 is on the minus strand). VCF-style: chr6-100642628-A-G. GRCh37 (hg19) VCF-style: chr6-101090504-A-G.
Other names: short protein forms I1285T.
Identifiers: ClinVar variation 4980191 (VCV004980191.1).

ClinVar aggregate classification (germline): Likely benign (1 of 4 stars; one submission).

Conditions:
ASCC3-related condition.

gnomAD v4.1: 365 of 1,613,972 alleles (0.023%); highest among the groups gnomAD compares: African/African-American, 0.4%; 1 homozygote.

Submission:

PreventionGenetics, part of Exact Sciences
Classification: Likely benign for ASCC3-related condition. Last evaluated: 2025-07-01. Review status: criteria provided, single submitter. Criteria: ACMG Guidelines, 2015. Collection method: clinical testing. Allele origin: germline.
Comment: This variant is classified as likely benign based on ACMG/AMP sequence variant interpretation guidelines (Richards et al. 2015 PMID: 25741868, with internal and published modifications).